The following is an entry in ClinVar:

NC_000003.12:g.193643989G>A

Variant type: single nucleotide variant.
Identifiers: ClinVar variation 5021088 (VCV005021088.1).

ClinVar aggregate classification (germline): Uncertain significance (1 of 4 stars; one submission).

Conditions:
Optic neuropathy. Also called: Optic nerve disorder. Identifiers: MedGen C3887709, MONDO:0002135, HP:0001138.

Submission:

Genetics Laboratory, Great Ormond Street Hospital NHS Foundation Trust, North Thames Genomic Laboratory Hub
Classification: Uncertain significance for Optic neuropathy. Last evaluated: 2026-08-18. Review status: criteria provided, single submitter. Criteria: ACGS Best Practice Guidelines for Variant Classification in Rare Disease 2024 v1.2. Collection method: clinical testing. Allele origin: germline. Affected: yes.
Comment: PS4_supporting, PM2_moderate, PP3_supporting